The following is an entry in ClinVar:

ClinVar aggregate classification (germline): Likely benign. Review status: criteria provided, multiple submitters, no conflicts (2 of 4 stars). 2 submissions from 2 submitters: Likely benign (2). Last evaluated 2018-06-19.

Allele frequency attached by ClinVar (database versions not stated): 1000 Genomes Project 30x 0.01186; 1000 Genomes Project 0.01192; TOPMed 0.01854; gnomAD 0.02026 and 0.02059; gnomAD exomes 0.02744.
gnomAD v4.1: 14,239 of 549,957 alleles (2.6%); highest among the groups gnomAD compares: Non-Finnish European, 3.3%; 194 homozygotes.

Submissions (2):

GeneDx
Classification: Likely benign. Last evaluated: 2018-06-19. Review status: criteria provided, single submitter. Criteria: GeneDx Variant Classification (06012015). Collection method: clinical testing. Allele origin: germline. Affected: yes.
Comment: This variant is considered likely benign or benign based on one or more of the following criteria: it is a conservative change, it occurs at a poorly conserved position in the protein, it is predicted to be benign by multiple in silico algorithms, and/or has population frequency not consistent with disease.

Breakthrough Genomics
Classification: Likely benign. Review status: criteria provided, single submitter. Criteria: ACMG Guidelines, 2015. Collection method: not provided. Allele origin: germline. Inheritance: X-linked inheritance. Affected: yes.

NM_004208.4(AIFM1):c.250-118A>G

Genes: AIFM1 (apoptosis inducing factor mitochondria associated 1; minus strand), RAB33A (RAB33A, member RAS oncogene family; plus strand). Cytogenetic location: Xq26.1.
Variant type: single nucleotide variant.
Coding change: c.250-118A>G on transcript NM_004208.4 (MANE Select); 118 bases into the intron before coding-DNA position 250, A replaced by G.
Molecular consequence: intron variant.
Genome position (GRCh38, 1-based): chrX:130,149,686, T>C on the plus strand (A>G on the coding strand, the complement: AIFM1 is on the minus strand). VCF-style: chrX-130149686-T-C. GRCh37 (hg19) VCF-style: chrX-129283661-T-C.
Other names: c.238-118A>G (NM_145812.3); c.250-118A>G (NM_001130847.4).
Identifiers: ClinVar variation 676661 (VCV000676661.2), dbSNP rs150442514, ClinGen allele CA335123906.